The following is an entry in ClinVar:

NM_002863.5(PYGL):c.16A>C (p.Thr6Pro)

Gene: PYGL (glycogen phosphorylase L; minus strand). Cytogenetic location: 14q22.1.
Variant type: single nucleotide variant.
Coding change: c.16A>C on transcript NM_002863.5 (MANE Select); coding-DNA position 16, A replaced by C.
Protein change: p.Thr6Pro; replaces threonine 6 with proline.
Molecular consequence: missense variant.
Genome position (GRCh38, 1-based): chr14:50,944,388, T>G on the plus strand (A>C on the coding strand, the complement: PYGL is on the minus strand). VCF-style: chr14-50944388-T-G. GRCh37 (hg19) VCF-style: chr14-51411106-T-G.
Other names: c.16A>C, p.Thr6Pro (NM_001163940.2); short protein forms T6P.
Identifiers: ClinVar variation 947664 (VCV000947664.9), dbSNP rs2050732195, ClinGen allele CA389699783.

ClinVar aggregate classification (germline): Uncertain significance (1 of 4 stars; one submission).

Conditions:
Glycogen storage disease, type VI (GSD6). Also called: Hepatic glycogen phosphorylase deficiency; Glycogen storage disease type 6, due to phosphorylation; GSD VI; Glycogen storage disease type 6; HERS DISEASE; PHOSPHORYLASE DEFICIENCY GLYCOGEN-STORAGE DISEASE OF LIVER. Identifiers: Orphanet 369, MedGen C0017925, MONDO:0009294, OMIM 232700.

Submission:

Labcorp Genetics (formerly Invitae), Labcorp
Classification: Uncertain significance for Glycogen storage disease, type VI. Last evaluated: 2019-09-19. Review status: criteria provided, single submitter. Criteria: Invitae Variant Classification Sherloc (09022015). Collection method: clinical testing. Allele origin: germline.
Comment: This sequence change replaces threonine with proline at codon 6 of the PYGL protein (p.Thr6Pro). The threonine residue is moderately conserved and there is a small physicochemical difference between threonine and proline. This variant is not present in population databases (ExAC no frequency). This variant has not been reported in the literature in individuals with PYGL-related conditions. Algorithms developed to predict the effect of missense changes on protein structure and function are either unavailable or do not agree on the potential impact of this missense change (SIFT: "Deleterious"; PolyPhen-2: "Benign"; Align-GVGD: "Class C0"). In summary, the available evidence is currently insufficient to determine the role of this variant in disease. Therefore, it has been classified as a Variant of Uncertain Significance.